The following is an entry in ClinVar:

ClinVar aggregate classification (germline): Pathogenic (1 of 4 stars; one submission).

Conditions:
ALG6-congenital disorder of glycosylation 1C (CDG1C). Also called: CDG Ic; CARBOHYDRATE-DEFICIENT GLYCOPROTEIN SYNDROME, TYPE I, WITH DEFICIENT GLYCOSYLATION OF DOLICHOL-LINKED OLIGOSACCHARIDE; CARBOHYDRATE-DEFICIENT GLYCOPROTEIN SYNDROME, TYPE V; Congenital disorder of glycosylation type 1C; Congenital disorder of glycosylation, type Ic. Identifiers: Orphanet 79320, MedGen C2930997, MONDO:0011291, OMIM 603147.

Submission:

Labcorp Genetics (formerly Invitae), Labcorp
Classification: Pathogenic for ALG6-congenital disorder of glycosylation 1C. Last evaluated: 2024-01-11. Review status: criteria provided, single submitter. Criteria: Invitae Variant Classification Sherloc (09022015). Collection method: clinical testing. Allele origin: germline.
Comment: This sequence change creates a premature translational stop signal (p.Leu214Phefs*18) in the ALG6 gene. It is expected to result in an absent or disrupted protein product. Loss-of-function variants in ALG6 are known to be pathogenic (PMID: 19862844). This variant is not present in population databases (gnomAD no frequency). This variant has not been reported in the literature in individuals affected with ALG6-related conditions. For these reasons, this variant has been classified as Pathogenic.

Literature cited by the submitters: PubMed 19862844.

NM_013339.4(ALG6):c.642del (p.Leu214fs)

Gene: ALG6 (ALG6 alpha-1,3-glucosyltransferase; plus strand). Cytogenetic location: 1p31.3.
Variant type: Deletion.
Coding change: c.642del on transcript NM_013339.4 (MANE Select); coding-DNA position 642, one base deleted (A; older notation c.642delA).
Protein change: p.Leu214fs; shifts the reading frame from leucine 214.
Molecular consequence: frameshift variant.
Genome position (GRCh38, 1-based): chr1:63,411,293, A deleted. VCF-style (leftmost placement, unchanged base first): chr1-63411292-TA-T. GRCh37 (hg19) VCF-style: chr1-63876963-TA-T.
Other names: short protein forms L214fs.
Identifiers: ClinVar variation 2735137 (VCV002735137.3), dbSNP rs2523748328, ClinGen allele CA2697552450.